The following is an entry in ClinVar:

ClinVar aggregate classification (germline): Pathogenic (1 of 4 stars; one submission).

Conditions:
Cystic fibrosis (CF). Also called: MUCOVISCIDOSIS. Identifiers: Orphanet 586, MedGen C0010674, MONDO:0009061, OMIM 219700. Disease mechanism: loss of function.

Submission:

Labcorp Genetics (formerly Invitae), Labcorp
Classification: Pathogenic for Cystic fibrosis. Last evaluated: 2023-10-03. Review status: criteria provided, single submitter. Criteria: Invitae Variant Classification Sherloc (09022015). Collection method: clinical testing. Allele origin: germline.
Comment: This sequence change creates a premature translational stop signal (p.Ser168*) in the CFTR gene. It is expected to result in an absent or disrupted protein product. Loss-of-function variants in CFTR are known to be pathogenic (PMID: 1695717, 7691345, 9725922). This variant is not present in population databases (gnomAD no frequency). This variant has not been reported in the literature in individuals affected with CFTR-related conditions. ClinVar contains an entry for this variant (Variation ID: 1406009). For these reasons, this variant has been classified as Pathogenic.

Literature cited by the submitters: PubMed 1695717; PubMed 7691345; PubMed 9725922.

NM_000492.4(CFTR):c.503C>G (p.Ser168Ter)

Gene: CFTR (CF transmembrane conductance regulator; plus strand). Cytogenetic location: 7q31.2.
Variant type: single nucleotide variant.
Coding change: c.503C>G on transcript NM_000492.4 (MANE Select); coding-DNA position 503, C replaced by G.
Protein change: p.Ser168Ter; replaces serine 168 with a stop codon.
Molecular consequence: nonsense.
Genome position (GRCh38, 1-based): chr7:117,534,289, C>G. VCF-style: chr7-117534289-C-G. GRCh37 (hg19) VCF-style: chr7-117174343-C-G.
Other names: short protein forms S168*.
Identifiers: ClinVar variation 1406009 (VCV001406009.6), dbSNP rs869249241, ClinGen allele CA368976359.
Genomic context (GRCh38, chr7:117,534,289, plus strand): 5'-TTGTATTTTGTTTGTTGAAATTATCTAACTTTCCATTTTTCTTTTAGACTTTAAAGCTGT[C>G]AAGCCGTGTTCTAGATAAAATAAGTATTGGACAACTTGTTAGTCTCCTTTCCAACAACCT-3'